The following is an entry in ClinVar:

ClinVar aggregate classification (germline): Uncertain significance (1 of 4 stars; one submission).

Conditions:
Cardiomyopathy (CMYO). Also called: Cardiomyopathies. Identifiers: Orphanet 167848, MedGen C0878544, MONDO:0004994, HP:0001638. Inheritance: Various modes of inheritance.

Submission:

Color Diagnostics, LLC DBA Color Health
Classification: Uncertain significance for Cardiomyopathy. Last evaluated: 2024-03-06. Review status: criteria provided, single submitter. Criteria: ACMG Guidelines, 2015. Collection method: clinical testing. Allele origin: germline.
Comment: This missense variant replaces serine with cysteine at codon 218 of the RYR2 protein. Computational prediction suggests that this variant may not impact protein structure and function (internally defined REVEL score threshold <= 0.5, PMID: 27666373). Splice site prediction tools suggest that this variant may not impact RNA splicing. To our knowledge, functional studies have not been performed for this variant. This variant has not been reported in individuals affected with cardiovascular disorders in the literature. This variant has not been identified in the general population by the Genome Aggregation Database (gnomAD). The available evidence is insufficient to determine the role of this variant in disease conclusively. Therefore, this variant is classified as a Variant of Uncertain Significance.

NM_001035.3(RYR2):c.652A>T (p.Ser218Cys)

Gene: RYR2 (ryanodine receptor 2; plus strand). Cytogenetic location: 1q43.
Variant type: single nucleotide variant.
Coding change: c.652A>T on transcript NM_001035.3 (MANE Select); coding-DNA position 652, A replaced by T.
Protein change: p.Ser218Cys; replaces serine 218 with cysteine.
Molecular consequence: missense variant.
Genome position (GRCh38, 1-based): chr1:237,387,356, A>T. VCF-style: chr1-237387356-A-T. GRCh37 (hg19) VCF-style: chr1-237550656-A-T.
Other names: short protein forms S218C.
Identifiers: ClinVar variation 924412 (VCV000924412.4), dbSNP rs1702027247, ClinGen allele CA345377520.
Genomic context (GRCh38, chr1:237,387,356, plus strand): 5'-AACGGCAGCTTACACGTGGATGCCGCTTTCCAGCAGACTCTCTGGAGCGTGGCCCCAATC[A>T]GCTCAGGAAGTGAGGCAGCCCAAGGTAAAAACTCCACTTCAATTAGAGGGCCTGTCCTTG-3'
Protein context (NP_001026.2, residues 208-228): QQTLWSVAPI[Ser218Cys]SGSEAAQGYL